The following is an entry in ClinVar:

NM_001166108.2(PALLD):c.2426T>C (p.Met809Thr)

Genes: CBR4 (carbonyl reductase 4; minus strand), PALLD (palladin, cytoskeletal associated protein; plus strand). Cytogenetic location: 4q32.3.
Variant type: single nucleotide variant.
Coding change: c.2426T>C on transcript NM_001166108.2 (MANE Select); coding-DNA position 2426, T replaced by C.
Protein change: p.Met809Thr; replaces methionine 809 with threonine.
Molecular consequence: missense variant.
Genome position (GRCh38, 1-based): chr4:168,898,668, T>C. VCF-style: chr4-168898668-T-C. GRCh37 (hg19) VCF-style: chr4-169819819-T-C.
Other names: c.1229T>C, p.Met410Thr (NM_001166109.2); c.914T>C, p.Met305Thr (NM_001166110.2); c.254T>C, p.Met85Thr (NM_001367567.1, NM_001367569.1); c.305T>C, p.Met102Thr (NM_001367568.1, NM_001367570.1); c.2375T>C, p.Met792Thr (NM_016081.4); short protein forms M85T, M102T, M792T, M305T, M410T, M809T.
Identifiers: ClinVar variation 3885299 (VCV003885299.1).
Genomic context (GRCh38, chr4:168,898,668, plus strand): 5'-AAAATGGAATGGCACCATTCTTTGAGATGAAGCTGAAACATTACAAGATCTTTGAGGGAA[T>C]GCCAGTAACTTTCACATGTAGAGTGGCTGGAAATCCAAAGCCAAAGGTGAGCTGGGAGAT-3'
Protein context (NP_001159580.1, residues 799-819): KLKHYKIFEG[Met809Thr]PVTFTCRVAG

ClinVar aggregate classification (germline): Uncertain significance (1 of 4 stars; one submission).

gnomAD v4.1: 3 of 1,601,438 alleles (0.00019%); highest among the groups gnomAD compares: Non-Finnish European, 0.00026%; no homozygotes.

Submission:

Ambry Genetics
Classification: Uncertain significance. Last evaluated: 2025-01-08. Review status: criteria provided, single submitter. Criteria: Ambry Variant Classification Scheme 2023. Collection method: clinical testing. Allele origin: germline.
Comment: The p.M305T variant (also known as c.914T>C), located in coding exon 4 of the PALLD gene, results from a T to C substitution at nucleotide position 914. The methionine at codon 305 is replaced by threonine, an amino acid with similar properties. This amino acid position is conserved. In addition, the in silico prediction for this alteration is inconclusive. Based on the available evidence, the clinical significance of this variant remains unclear.